The following is an entry in ClinVar:

ClinVar aggregate classification (germline): Conflicting classifications of pathogenicity. Review status: criteria provided, conflicting classifications (1 of 4 stars). 2 submissions from 2 submitters: Uncertain significance (1); Likely benign (1). Last evaluated 2025-06-01.

Conditions:
Cardiovascular phenotype. Identifiers: MedGen CN230736.

Allele frequency attached by ClinVar (database versions not stated): gnomAD exomes 0.00001; gnomAD 0.00002; TOPMed 0.00002.
gnomAD v4.1: 20 of 1,550,312 alleles (0.0013%); highest among the groups gnomAD compares: Non-Finnish European, 0.0017%; no homozygotes.

Submissions (2):

CeGaT Center for Human Genetics Tuebingen
Classification: Uncertain significance. Last evaluated: 2025-06-01. Review status: criteria provided, single submitter. Criteria: CeGaT Center For Human Genetics Tuebingen Variant Classification Criteria Version 2. Collection method: clinical testing. Allele origin: germline. Affected: yes. Observed: 1 variant allele.
Comment: ZNF469: PM2, BP4

Ambry Genetics
Classification: Likely benign for Cardiovascular phenotype. Last evaluated: 2025-05-27. Review status: criteria provided, single submitter. Criteria: Ambry Variant Classification Scheme 2023. Collection method: clinical testing. Allele origin: germline.

NM_001367624.2(ZNF469):c.7241C>T (p.Thr2414Ile)

Gene: ZNF469 (zinc finger protein 469; plus strand). Cytogenetic location: 16q24.2.
Variant type: single nucleotide variant.
Coding change: c.7241C>T on transcript NM_001367624.2 (MANE Select); coding-DNA position 7241, C replaced by T.
Protein change: p.Thr2414Ile; replaces threonine 2414 with isoleucine.
Molecular consequence: missense variant.
Genome position (GRCh38, 1-based): chr16:88,434,711, C>T. VCF-style: chr16-88434711-C-T. GRCh37 (hg19) VCF-style: chr16-88501119-C-T.
Other names: NM_001127464.1:c.7157C>T; short protein forms T2414I.
Identifiers: ClinVar variation 2449513 (VCV002449513.12), dbSNP rs929163153, ClinGen allele CA286382506.